The following is an entry in ClinVar:

NM_001378615.1(CC2D2A):c.123+467C>T

Genes: CC2D2A (coiled-coil and C2 domain containing 2A; plus strand), FBXL5 (F-box and leucine rich repeat protein 5; minus strand). Cytogenetic location: 4p15.32.
Variant type: single nucleotide variant.
Coding change: c.123+467C>T on transcript NM_001378615.1 (MANE Select); 467 bases into the intron after coding-DNA position 123, C replaced by T.
Molecular consequence: intron variant. On other transcripts: 5 prime UTR variant (1), synonymous variant (1).
Genome position (GRCh38, 1-based): chr4:15,479,273, C>T. VCF-style: chr4-15479273-C-T. GRCh37 (hg19) VCF-style: chr4-15480897-C-T.
Other names: c.-80C>T (NM_001378617.1); c.174C>T, p.Ser58= (NM_020785.2); c.123+467C>T (NM_001080522.2, NM_001164720.3).
Identifiers: ClinVar variation 4983384 (VCV004983384.1).
Genomic context (GRCh38, chr4:15,479,273, plus strand): 5'-TTTGAGGCAGAAGCCAACTCCTTTCTCCCGAGCCTGCTGGCAGATCCTCCCCCACCTCTC[C>T]GCAGGAGTTCCCCTCCTAGGCTGGGAGCATCCCGTGCAGGGTAAATCTTTTCAAGGTAAG-3'

ClinVar aggregate classification (germline): Likely benign (1 of 4 stars; one submission).

Conditions:
CC2D2A-related disorder. Also called: CC2D2A-related condition; CC2D2A-related disorders. Identifiers: MedGen CN239313.

gnomAD v4.1: 15 of 1,537,074 alleles (0.00098%); highest among the groups gnomAD compares: Admixed American, 0.018%; no homozygotes.

Submission:

PreventionGenetics, part of Exact Sciences
Classification: Likely benign for CC2D2A-related condition. Last evaluated: 2026-04-21. Review status: criteria provided, single submitter. Criteria: ACMG Guidelines, 2015. Collection method: clinical testing. Allele origin: germline.
Comment: This variant is classified as likely benign based on ACMG/AMP sequence variant interpretation guidelines (Richards et al. 2015 PMID: 25741868, with internal and published modifications).